The following is an entry in ClinVar:

NM_001010909.5(MUC21):c.744C>A (p.Pro248=)

Genes: MUC21 (mucin 21, cell surface associated; plus strand), LOC126859647 (CDK7 strongly-dependent group 2 enhancer GRCh37_chr6:30954612-30955811; plus strand). Cytogenetic location: 6p21.33.
Variant type: single nucleotide variant.
Coding change: c.744C>A on transcript NM_001010909.5 (MANE Select); coding-DNA position 744, C replaced by A.
Protein change: p.Pro248=; no amino-acid change (proline 248 retained).
Molecular consequence: synonymous variant. On other transcripts: non-coding transcript variant (1).
Genome position (GRCh38, 1-based): chr6:30,986,919, C>A. VCF-style: chr6-30986919-C-A. GRCh37 (hg19) VCF-style: chr6-30954696-C-A.
Other names: c.834G>A, p.Val278= (NM_001322370.2, NM_001322371.2).
Identifiers: ClinVar variation 3025699 (VCV003025699.22), dbSNP rs41288653, ClinGen allele CA449782396.

ClinVar aggregate classification (germline): Likely benign (1 of 4 stars; one submission).

Submission:

CeGaT Center for Human Genetics Tuebingen
Classification: Likely benign. Last evaluated: 2025-03-01. Review status: criteria provided, single submitter. Criteria: CeGaT Center For Human Genetics Tuebingen Variant Classification Criteria Version 2. Collection method: clinical testing. Allele origin: germline. Affected: yes. Observed: 2 variant alleles.
Comment: MUC21: PM2:Supporting, BP4, BP7